The following is an entry in ClinVar:

NM_001332.4(CTNND2):c.1499C>G (p.Ala500Gly)

Gene: CTNND2 (catenin delta 2; minus strand). Cytogenetic location: 5p15.2.
Variant type: single nucleotide variant.
Coding change: c.1499C>G on transcript NM_001332.4 (MANE Select); coding-DNA position 1499, C replaced by G.
Protein change: p.Ala500Gly; replaces alanine 500 with glycine.
Molecular consequence: missense variant. On other transcripts: non-coding transcript variant (1).
Genome position (GRCh38, 1-based): chr5:11,346,501, G>C on the plus strand (C>G on the coding strand, the complement: CTNND2 is on the minus strand). VCF-style: chr5-11346501-G-C. GRCh37 (hg19) VCF-style: chr5-11346613-G-C.
Other names: c.1226C>G, p.Ala409Gly (NM_001288715.1); c.488C>G, p.Ala163Gly (NM_001288716.1, NM_001364128.2); c.200C>G, p.Ala67Gly (NM_001288717.2); short protein forms A163G, A409G, A500G, A67G.
Identifiers: ClinVar variation 3026983 (VCV003026983.22), dbSNP rs768348550, ClinGen allele CA359278678.

ClinVar aggregate classification (germline): Uncertain significance (1 of 4 stars; one submission).

gnomAD v4.1: 1 of 1,606,138 alleles (0.000062%); highest among the groups gnomAD compares: Non-Finnish European, 0.000085%; no homozygotes.

Submission:

CeGaT Center for Human Genetics Tuebingen
Classification: Uncertain significance. Last evaluated: 2024-01-01. Review status: criteria provided, single submitter. Criteria: CeGaT Center For Human Genetics Tuebingen Variant Classification Criteria Version 2. Collection method: clinical testing. Allele origin: germline. Affected: yes. Observed: 1 variant allele.
Comment: CTNND2: PM2